The following is an entry in ClinVar:

NM_000492.4(CFTR):c.4181A>G (p.Asp1394Gly)

Gene: CFTR (CF transmembrane conductance regulator; plus strand). Cytogenetic location: 7q31.2.
Variant type: single nucleotide variant.
Coding change: c.4181A>G on transcript NM_000492.4 (MANE Select); coding-DNA position 4181, A replaced by G.
Protein change: p.Asp1394Gly; replaces aspartic acid 1394 with glycine.
Molecular consequence: missense variant.
Genome position (GRCh38, 1-based): chr7:117,665,503, A>G. VCF-style: chr7-117665503-A-G. GRCh37 (hg19) VCF-style: chr7-117305557-A-G.
Other names: p.Asp1394Gly; short protein forms D1394G.
Identifiers: ClinVar variation 4541332 (VCV004541332.1).
Genomic context (GRCh38, chr7:117,665,503, plus strand): 5'-TTTCTTTCTTTTCTAGAACATACCAAATAATTAGAAGAACTCTAAAACAAGCATTTGCTG[A>G]TTGCACAGTAATTCTCTGTGAACACAGGATAGAAGCAATGCTGGAATGCCAACAATTTTT-3'
Protein context (NP_000483.3, residues 1384-1404): IRRTLKQAFA[Asp1394Gly]CTVILCEHRI

ClinVar aggregate classification (germline): Uncertain significance (1 of 4 stars; one submission).

gnomAD v4.1: 5 of 1,613,234 alleles (0.00031%); highest among the groups gnomAD compares: African/African-American, 0.0067%; no homozygotes.

Submission:

Mayo Clinic Laboratories, Mayo Clinic
Classification: Uncertain significance. Last evaluated: 2025-01-27. Review status: criteria provided, single submitter. Criteria: ACMG Guidelines, 2015. Collection method: clinical testing. Allele origin: germline. Observed: 1 variant allele.
Comment: PM2_supporting

Literature cited by the submitters: PubMed 20551307.